The following is an entry in ClinVar:

ClinVar aggregate classification (germline): Benign/Likely benign. Review status: criteria provided, multiple submitters, no conflicts (2 of 4 stars). 6 submissions from 6 submitters: Benign (1); Likely benign (5). Last evaluated 2026-05-21.

Conditions:
Hereditary cancer-predisposing syndrome. Also called: Neoplastic Syndromes, Hereditary; Hereditary Cancer Syndrome; Tumor predisposition; Hereditary neoplastic syndrome. Identifiers: Orphanet 140162, MedGen C0027672, MeSH D009386, MONDO:0015356.
Neurofibromatosis, type 1 (NF1). Also called: Peripheral type neurofibromatosis; Neurofibromatosis, type I; VON RECKLINGHAUSEN DISEASE; NEUROFIBROMATOSIS, TYPE I, SOMATIC. Identifiers: Orphanet 636, MedGen C0027831, MONDO:0018975, OMIM 162200. Disease mechanism: loss of function.
Neurofibromatosis, familial spinal (FSNF). Identifiers: Orphanet 636, MedGen C1834235, MONDO:0008078, OMIM 162210. Disease mechanism: loss of function.

Allele frequency attached by ClinVar (database versions not stated): gnomAD 0.00001 and 0.00002; gnomAD exomes 0.00001 and 0.00002; TOPMed 0.00001; ExAC 0.00002.
gnomAD v4.1: 21 of 1,613,956 alleles (0.0013%); highest among the groups gnomAD compares: Middle Eastern, 0.033%; no homozygotes.

Submissions (6):

Myriad Genetics, Inc.
Classification: Benign for Neurofibromatosis, type 1. Last evaluated: 2026-05-21. Review status: criteria provided, single submitter. Criteria: Myriad Autosomal Dominant, Autosomal Recessive and X-Linked Classification Criteria (2023). Collection method: clinical testing. Allele origin: unknown.
Comment: This variant is considered benign. This variant is a silent/synonymous amino acid change and it is not expected to impact splicing.

Labcorp Genetics (formerly Invitae), Labcorp
Classification: Likely benign for Neurofibromatosis, type 1. Last evaluated: 2025-11-06. Review status: criteria provided, single submitter. Criteria: Invitae Variant Classification Sherloc (09022015). Collection method: clinical testing. Allele origin: germline.

KCCC/NGS Laboratory, Kuwait Cancer Control Center
Classification: Likely benign for Neurofibromatosis, familial spinal. Last evaluated: 2023-07-07. Review status: criteria provided, single submitter. Criteria: ACMG Guidelines, 2015. Collection method: clinical testing. Allele origin: germline. Affected: yes.

Genome-Nilou Lab
Classification: Likely benign for Neurofibromatosis, type 1. Last evaluated: 2022-03-15. Review status: criteria provided, single submitter. Criteria: ACMG Guidelines, 2015. Collection method: clinical testing. Allele origin: germline. Affected: no.

Blueprint Genetics
Classification: Likely benign. Last evaluated: 2022-02-23. Review status: criteria provided, single submitter. Criteria: ACMG Guidelines, 2015. Collection method: clinical testing. Allele origin: germline.

Ambry Genetics
Classification: Likely benign for Hereditary cancer-predisposing syndrome. Last evaluated: 2015-03-06. Review status: criteria provided, single submitter. Criteria: Ambry Autosomal Dominant and X-Linked criteria (10/2015). Collection method: clinical testing. Allele origin: germline. Observed: 1 variant allele.

NM_001042492.3(NF1):c.6927G>A (p.Ser2309=)

Gene: NF1 (neurofibromin 1; plus strand). Cytogenetic location: 17q11.2.
Variant type: single nucleotide variant.
Coding change: c.6927G>A on transcript NM_001042492.3 (MANE Select); coding-DNA position 6927, G replaced by A.
Protein change: p.Ser2309=; no amino-acid change (serine 2309 retained).
Molecular consequence: synonymous variant.
Genome position (GRCh38, 1-based): chr17:31,340,510, G>A. VCF-style: chr17-31340510-G-A. GRCh37 (hg19) VCF-style: chr17-29667528-G-A.
Other names: c.6864G>A, p.Ser2288= (NM_000267.4).
Identifiers: ClinVar variation 230747 (VCV000230747.15), dbSNP rs763028083, ClinGen allele CA8487467.